The following is an entry in ClinVar:

NM_001369.3(DNAH5):c.5944G>A (p.Ala1982Thr)

Gene: DNAH5 (dynein axonemal heavy chain 5; minus strand). Cytogenetic location: 5p15.2.
Variant type: single nucleotide variant.
Coding change: c.5944G>A on transcript NM_001369.3 (MANE Select); coding-DNA position 5944, G replaced by A.
Protein change: p.Ala1982Thr; replaces alanine 1982 with threonine.
Molecular consequence: missense variant.
Genome position (GRCh38, 1-based): chr5:13,830,714, C>T on the plus strand (G>A on the coding strand, the complement: DNAH5 is on the minus strand). VCF-style: chr5-13830714-C-T. GRCh37 (hg19) VCF-style: chr5-13830823-C-T.
Other names: short protein forms A1982T.
Identifiers: ClinVar variation 414365 (VCV000414365.16), dbSNP rs150814892, ClinGen allele CA3203521.

ClinVar aggregate classification (germline): Benign/Likely benign. Review status: criteria provided, multiple submitters, no conflicts (2 of 4 stars). 3 submissions from 3 submitters: Benign (1); Likely benign (1). 1 of the submissions does not count toward it. Last evaluated 2026-01-28.

Conditions:
Primary ciliary dyskinesia. Also called: Ciliary dyskinesia. Identifiers: Orphanet 244, MedGen C0008780, MONDO:0016575, HP:0012265.
DNAH5-related disorder. Also called: DNAH5-related condition.

Allele frequency attached by ClinVar (database versions not stated): gnomAD exomes 0.00014 and 0.00042; ExAC 0.00063; gnomAD 0.00127; TOPMed 0.00173; ESP Exome Variant Server 0.00192; 1000 Genomes Project 0.00339; 1000 Genomes Project 30x 0.00359.
gnomAD v4.1: 449 of 1,614,176 alleles (0.028%); highest among the groups gnomAD compares: African/African-American, 0.56%; 2 homozygotes.

Submissions (3):

Labcorp Genetics (formerly Invitae), Labcorp
Classification: Likely benign for Primary ciliary dyskinesia. Last evaluated: 2026-01-28. Review status: criteria provided, single submitter. Criteria: Invitae Variant Classification Sherloc (09022015). Collection method: clinical testing. Allele origin: germline.

Ambry Genetics
Classification: Benign for Primary ciliary dyskinesia. Last evaluated: 2019-01-10. Review status: criteria provided, single submitter. Criteria: Ambry Variant Classification Scheme 2023. Collection method: clinical testing. Allele origin: germline.

PreventionGenetics, part of Exact Sciences
Classification: Likely benign for DNAH5-related condition. Last evaluated: 2023-04-19. Review status: no assertion criteria provided. Collection method: clinical testing. Allele origin: germline. Not counted in ClinVar's aggregate classification.
Comment: This variant is classified as likely benign based on ACMG/AMP sequence variant interpretation guidelines (Richards et al. 2015 PMID: 25741868, with internal and published modifications).